The following is an entry in ClinVar:

ClinVar aggregate classification (germline): Uncertain significance. Review status: criteria provided, multiple submitters, no conflicts (2 of 4 stars). 2 submissions from 2 submitters: Uncertain significance (2). Last evaluated 2025-08-11.

Conditions:
Inborn genetic diseases. Identifiers: MedGen C0950123, MeSH D030342.

gnomAD v4.1: 24 of 1,613,876 alleles (0.0015%); highest among the groups gnomAD compares: Middle Eastern, 0.016%; no homozygotes.

Submissions (2):

Ambry Genetics
Classification: Uncertain significance for Inborn genetic diseases. Last evaluated: 2025-08-11. Review status: criteria provided, single submitter. Criteria: Ambry Variant Classification Scheme 2023. Collection method: clinical testing. Allele origin: germline.

Labcorp Genetics (formerly Invitae), Labcorp
Classification: Uncertain significance. Last evaluated: 2023-12-13. Review status: criteria provided, single submitter. Criteria: Invitae Variant Classification Sherloc (09022015). Collection method: clinical testing. Allele origin: germline.
Comment: This sequence change replaces proline, which is neutral and non-polar, with threonine, which is neutral and polar, at codon 28 of the PPOX protein (p.Pro28Thr). The frequency data for this variant in the population databases is considered unreliable, as metrics indicate poor data quality at this position in the gnomAD database. This variant has not been reported in the literature in individuals affected with PPOX-related conditions. Advanced modeling of protein sequence and biophysical properties (such as structural, functional, and spatial information, amino acid conservation, physicochemical variation, residue mobility, and thermodynamic stability) performed at Invitae indicates that this missense variant is not expected to disrupt PPOX protein function with a negative predictive value of 80%. In summary, the available evidence is currently insufficient to determine the role of this variant in disease. Therefore, it has been classified as a Variant of Uncertain Significance.

NM_001122764.3(PPOX):c.82C>A (p.Pro28Thr)

Gene: PPOX (protoporphyrinogen oxidase; plus strand). Cytogenetic location: 1q23.3.
Variant type: single nucleotide variant.
Coding change: c.82C>A on transcript NM_001122764.3 (MANE Select); coding-DNA position 82, C replaced by A.
Protein change: p.Pro28Thr; replaces proline 28 with threonine.
Molecular consequence: missense variant. On other transcripts: 5 prime UTR variant (5).
Genome position (GRCh38, 1-based): chr1:161,166,929, C>A. VCF-style: chr1-161166929-C-A. GRCh37 (hg19) VCF-style: chr1-161136719-C-A.
Other names: c.82C>A, p.Pro28Thr (NM_001365399.1, NM_001365398.1, NM_000309.5 and 1 more transcripts); c.-230C>A (NM_001365400.1); c.-289C>A (NM_001365401.1); c.-346C>A (NM_001350129.2); c.-437C>A (NM_001350130.2); c.-323C>A (NM_001350131.2); c.82C>A (NM_000309.3); short protein forms P28T.
Identifiers: ClinVar variation 2894196 (VCV002894196.4), dbSNP rs758987522, ClinGen allele CA1207020.